The following is an entry in ClinVar:

NM_001127898.4(CLCN5):c.1282A>C (p.Ile428Leu)

Gene: CLCN5 (chloride voltage-gated channel 5; plus strand). Cytogenetic location: Xp11.23.
Variant type: single nucleotide variant.
Coding change: c.1282A>C on transcript NM_001127898.4 (MANE Select); coding-DNA position 1282, A replaced by C.
Protein change: p.Ile428Leu; replaces isoleucine 428 with leucine.
Molecular consequence: missense variant.
Genome position (GRCh38, 1-based): chrX:50,086,595, A>C. VCF-style: chrX-50086595-A-C. GRCh37 (hg19) VCF-style: chrX-49851252-A-C.
Other names: c.1072A>C (NM_000084.2); c.1072A>C, p.Ile358Leu (NM_000084.5); c.1282A>C, p.Ile428Leu (NM_001127899.4); c.1132A>C, p.Ile378Leu (NM_001282163.2); short protein forms I358L, I378L, I428L.
Identifiers: ClinVar variation 3028947 (VCV003028947.3), dbSNP rs782590680, ClinGen allele CA10413857.
Genomic context (GRCh38, chrX:50,086,595, plus strand): 5'-CGCACAAACATTGCCTGGTGTCGGAAGCGAAAGACCACCCAGTTGGGCAAGTATCCTGTT[A>C]TAGAGGTACTCGTCGTGACAGCCATCACTGCCATCCTGGCTTTCCCCAATGAATACACTC-3'
Protein context (NP_001121370.1, residues 418-438): KTTQLGKYPV[Ile428Leu]EVLVVTAITA

ClinVar aggregate classification (germline): Uncertain significance. Review status: criteria provided, single submitter (1 of 4 stars). 2 submissions from 2 submitters: Uncertain significance (1). 1 of the submissions does not count toward it. Last evaluated 2025-10-02.

Conditions:
Inborn genetic diseases. Identifiers: MedGen C0950123, MeSH D030342.
CLCN5-related disorder. Also called: CLCN5-related condition.

Allele frequency attached by ClinVar (database versions not stated): gnomAD exomes below 0.00001; ExAC 0.00001.
gnomAD v4.1: 1 of 1,211,001 alleles (0.000083%); highest among the groups gnomAD compares: Non-Finnish European, 0.00011%; no homozygotes.

Submissions (2):

Ambry Genetics
Classification: Uncertain significance for Inborn genetic diseases. Last evaluated: 2025-10-02. Review status: criteria provided, single submitter. Criteria: Ambry Variant Classification Scheme 2023. Collection method: clinical testing. Allele origin: germline.
Comment: The c.1072A>C (p.I358L) alteration is located in exon 8 (coding exon 7) of the CLCN5 gene. This alteration results from a A to C substitution at nucleotide position 1072, causing the isoleucine (I) at amino acid position 358 to be replaced by a leucine (L). Based on data from gnomAD, the C allele has an overall frequency of <0.001% (1/182949) total alleles studied. The highest observed frequency was 0.001% (1/81599) of European (non-Finnish) alleles. Based on insufficient or conflicting evidence, the clinical significance of this alteration remains unclear.

PreventionGenetics, part of Exact Sciences
Classification: Uncertain significance for CLCN5-related condition. Last evaluated: 2024-02-21. Review status: no assertion criteria provided. Collection method: clinical testing. Allele origin: germline. Not counted in ClinVar's aggregate classification.
Comment: The CLCN5 c.1072A>C variant is predicted to result in the amino acid substitution p.Ile358Leu. To our knowledge, this variant has not been reported in the literature. This variant is reported in 0.0012% of alleles in individuals of European (Non-Finnish) descent in gnomAD. At this time, the clinical significance of this variant is uncertain due to the absence of conclusive functional and genetic evidence.